The following is an entry in ClinVar:

NM_001376.5(DYNC1H1):c.6381T>C (p.Ile2127=)

Gene: DYNC1H1 (dynein cytoplasmic 1 heavy chain 1; plus strand). Cytogenetic location: 14q32.31.
Variant type: single nucleotide variant.
Coding change: c.6381T>C on transcript NM_001376.5 (MANE Select); coding-DNA position 6381, T replaced by C.
Protein change: p.Ile2127=; no amino-acid change (isoleucine 2127 retained).
Molecular consequence: synonymous variant.
Genome position (GRCh38, 1-based): chr14:102,010,435, T>C. VCF-style: chr14-102010435-T-C. GRCh37 (hg19) VCF-style: chr14-102476772-T-C.
Identifiers: ClinVar variation 539810 (VCV000539810.13), dbSNP rs759525537, ClinGen allele CA7352596.

ClinVar aggregate classification (germline): Likely benign. Review status: criteria provided, multiple submitters, no conflicts (2 of 4 stars). 3 submissions from 3 submitters: Likely benign (3). Last evaluated 2025-02-28.

Conditions:
Charcot-Marie-Tooth disease. Also called: Charcot-Marie-Tooth Neuropathy; Charcot-Marie-Tooth Hereditary Neuropathy. Identifiers: Orphanet 166, MedGen C0007959, MONDO:0015626.
Charcot-Marie-Tooth disease axonal type 2O. Also called: CHARCOT-MARIE-TOOTH NEUROPATHY, AXONAL, TYPE 2O; CHARCOT-MARIE-TOOTH DISEASE, AXONAL, AUTOSOMAL DOMINANT, TYPE 2O; Charcot-Marie-Tooth Neuropathy Type 2O; Charcot-Marie-Tooth disease, axonal, type 20. Identifiers: Orphanet 284232, MedGen C3280220, MONDO:0013644, OMIM 614228.

Allele frequency attached by ClinVar (database versions not stated): ExAC 0.00001; gnomAD exomes 0.00001 and 0.00005; TOPMed 0.00002; gnomAD 0.00005 and 0.00006.
gnomAD v4.1: 80 of 1,613,946 alleles (0.005%); highest among the groups gnomAD compares: Non-Finnish European, 0.0065%; no homozygotes.

Submissions (3):

Athena Diagnostics
Classification: Likely benign. Last evaluated: 2025-02-28. Review status: criteria provided, single submitter. Criteria: Athena Diagnostics Criteria. Collection method: clinical testing. Allele origin: unknown.
Comment: Computational tools yielded predictions that this variant is unlikely to have an effect on normal RNA splicing. This nucleotide position exhibits low evolutionary conservation.

Labcorp Genetics (formerly Invitae), Labcorp
Classification: Likely benign for Charcot-Marie-Tooth disease axonal type 2O. Last evaluated: 2024-10-02. Review status: criteria provided, single submitter. Criteria: Invitae Variant Classification Sherloc (09022015). Collection method: clinical testing. Allele origin: germline.

Molecular Genetics Laboratory, London Health Sciences Centre
Classification: Likely benign for Charcot-Marie-Tooth disease. Review status: criteria provided, single submitter. Criteria: ACMG Guidelines, 2015. Collection method: clinical testing. Allele origin: germline. Affected: yes.